The following is an entry in ClinVar:

NM_172250.3(MMAA):c.387C>A (p.Tyr129Ter)

Gene: MMAA (metabolism of cobalamin associated A; plus strand). Cytogenetic location: 4q31.21.
Variant type: single nucleotide variant.
Coding change: c.387C>A on transcript NM_172250.3 (MANE Select); coding-DNA position 387, C replaced by A.
Protein change: p.Tyr129Ter; replaces tyrosine 129 with a stop codon.
Molecular consequence: nonsense.
Genome position (GRCh38, 1-based): chr4:145,639,526, C>A. VCF-style: chr4-145639526-C-A. GRCh37 (hg19) VCF-style: chr4-146560678-C-A.
Other names: short protein forms Y129*.
Identifiers: ClinVar variation 203814 (VCV000203814.25), dbSNP rs796051992, ClinGen allele CA312703.

ClinVar aggregate classification (germline): Pathogenic. Review status: criteria provided, multiple submitters, no conflicts (2 of 4 stars). 10 submissions from 10 submitters: Pathogenic (9). 1 of the submissions does not count toward it. Last evaluated 2026-09-23.

Conditions:
MMAA-related disorder. Also called: MMAA-related condition.
Methylmalonic acidemia (MMA). Also called: Isolated Methylmalonic Acidemia. Identifiers: MedGen C0268583, MeSH C537358, MONDO:0002012, HP:0002912.
Methylmalonic aciduria, cblA type (MACA). Also called: Methylmalonic aciduria, vitamin B12-responsive; Vitamin B12-responsive methylmalonic acidemia type cblA; Methylmalonic aciduria, vitamin b12-responsive, due to defect in synthesis of adenosylcobalamin, cbla complementation type; MMA cbl A type; Methylmalonic acidemia cblA type. Identifiers: Orphanet 28, Orphanet 79310, MedGen C1855109, MONDO:0009613, OMIM 251100.

Allele frequency attached by ClinVar (database versions not stated): gnomAD exomes 0.00001; TOPMed 0.00002; gnomAD 0.00003.
gnomAD v4.1: 4 of 1,613,222 alleles (0.00025%); highest among the groups gnomAD compares: Admixed American, 0.0033%; no homozygotes.

Submissions (10):

GeneDx
Classification: Pathogenic. Last evaluated: 2026-09-23. Review status: criteria provided, single submitter. Criteria: GeneDx Variant Classification Process June 2021. Collection method: clinical testing. Allele origin: germline.
Comment: Not observed at significant frequency in large population cohorts (gnomAD); Nonsense variant predicted to result in protein truncation or nonsense mediated decay in a gene for which loss of function is a known mechanism of disease; This variant is associated with the following publications: (PMID: 25959030, 23026888, 31589614, 15523652, 39494389, 32754920)

Dasa
Classification: Pathogenic. Last evaluated: 2026-02-06. Review status: criteria provided, single submitter. Criteria: DASA Assertion Criteria. Collection method: clinical testing. Allele origin: germline.
Comment: NM_172250.3(MMAA):c.387C>A (p.Tyr129*) introduces a premature termination codon. Loss-of-function is an established mechanism of disease for this gene. The variant has been reported in individuals with methylmalonic aciduria, cblA type (PMID: 32754920, 39494389). It is present at low frequency in population datasets. Based on the available data, this variant is classified as pathogenic.

Labcorp Genetics (formerly Invitae), Labcorp
Classification: Pathogenic for Methylmalonic aciduria, cblA type. Last evaluated: 2025-08-07. Review status: criteria provided, single submitter. Criteria: Invitae Variant Classification Sherloc (09022015). Collection method: clinical testing. Allele origin: germline.
Comment: This sequence change creates a premature translational stop signal (p.Tyr129*) in the MMAA gene. It is expected to result in an absent or disrupted protein product. Loss-of-function variants in MMAA are known to be pathogenic (PMID: 15523652, 15781192). This variant is present in population databases (rs796051992, gnomAD 0.006%). This premature translational stop signal has been observed in individuals with methylmalonic aciduria cobalamin A type (PMID: 15523652, 25959030). ClinVar contains an entry for this variant (Variation ID: 203814). For these reasons, this variant has been classified as Pathogenic.

Natera, Inc.
Classification: Pathogenic for Methylmalonic aciduria cblA type. Last evaluated: 2025-07-08. Review status: criteria provided, single submitter. Criteria: Natera Variant Classification Schema (03/2026). Collection method: clinical testing. Allele origin: germline.
Comment: The c.387C>A variant in MMAA is a nonsense variant predicted to introduce a stop codon at amino acid 129. This variant is expected to result in nonsense mediated decay, truncation, or a dysfunctional protein product. This variant is rare in the general population with a frequency below the threshold expected for the associated phenotype(s). This variant has been observed in one or more individuals affected with the associated recessive disease, as either homozygous or compound heterozygous with a second variant (PMID: 15523652, 21048060). Given the available evidence, this variant is classified as Pathogenic.

3billion
Classification: Pathogenic for Methylmalonic aciduria, cblA type. Last evaluated: 2025-05-27. Review status: criteria provided, single submitter. Criteria: ACMG Guidelines, 2015. Collection method: clinical testing. Allele origin: germline. Affected: yes.
Comment: The variant is observed at an extremely low frequency in the gnomAD v4.1.0 dataset (total allele frequency: <0.001%). Predicted Consequence/Location: Stop-gained (nonsense): predicted to result in a loss or disruption of normal protein function through nonsense-mediated decay (NMD) or protein truncation. Multiple pathogenic variants are reported downstream of the variant. The variant has been reported at least twice as pathogenic with clinical assertions and evidence for the classification (ClinVar ID: VCV000203814 /PMID: 15523652). Therefore, this variant is classified as Pathogenic according to the recommendation of ACMG/AMP guideline.

Fulgent Genetics
Classification: Pathogenic for Methylmalonic aciduria, cblA type. Last evaluated: 2024-05-29. Review status: criteria provided, single submitter. Criteria: ACMG Guidelines, 2015. Collection method: clinical testing. Allele origin: germline.

PreventionGenetics, part of Exact Sciences
Classification: Pathogenic for MMAA-related condition. Last evaluated: 2023-01-23. Review status: criteria provided, single submitter. Criteria: ACMG Guidelines, 2015. Collection method: clinical testing. Allele origin: germline.
Comment: The MMAA c.387C>A variant is predicted to result in premature protein termination (p.Tyr129*). This variant has been reported, in the homozygous state or heterozygous state with a second causative MMAA variant, in at least two cblA type methylmalonic acidemia patients (MMA) (Lerner-Ellis et al 2004. PubMed ID: 15523652; Table S1 - Manoli et al. 2016. PubMed ID: 26270765; Hörster et al. 2020. PubMed ID: 32754920). Other loss-of-function variants surrounding this region have also been reported to be causative for MMA. This variant is reported in 0.0057% of alleles in individuals of Latino descent in gnomAD. Nonsense variants in MMAA are expected to be pathogenic. Taken together, this variant is interpreted as pathogenic.

Revvity Omics, Revvity
Classification: Pathogenic for Methylmalonic aciduria, cblA type. Last evaluated: 2023-01-12. Review status: criteria provided, single submitter. Criteria: ACMG Guidelines, 2015. Collection method: clinical testing. Allele origin: germline.

Women's Health and Genetics/Laboratory Corporation of America, LabCorp
Classification: Pathogenic for Methylmalonic acidemia. Last evaluated: 2021-05-09. Review status: criteria provided, single submitter. Criteria: LabCorp Variant Classification Summary - May 2015. Collection method: clinical testing. Allele origin: germline.
Comment: Variant summary: MMAA c.387C>A (p.Tyr129X) results in a premature termination codon, predicted to cause a truncation of the encoded protein or absence of the protein due to nonsense mediated decay, which are commonly known mechanisms for disease. Truncations downstream of this position have been classified as pathogenic by our laboratory. The variant allele was found at a frequency of 8e-06 in 250652 control chromosomes. c.387C>A has been reported in the literature in multiple individuals affected with Methylmalonic Acidemia (example, Lerner-Ellis_2004, Horster_2021). These data indicate that the variant is very likely to be associated with disease. Three clinical diagnostic laboratories have submitted clinical-significance assessments for this variant to ClinVar after 2014 without evidence for independent evaluation. All laboratories classified the variant as pathogenic. Based on the evidence outlined above, the variant was classified as pathogenic.

Counsyl
Classification: Pathogenic for Methylmalonic aciduria, cblA type. Last evaluated: 2018-01-04. Review status: no assertion criteria provided. Collection method: clinical testing. Allele origin: unknown. Not counted in ClinVar's aggregate classification.

Literature cited by the submitters: PubMed 39494389 (cited by Dasa); PubMed 32754920 (cited by Dasa and Women's Health and Genetics/Laboratory Corporation of America, LabCorp); PubMed 15523652 (cited by 5 submitters); PubMed 15781192 (cited by Labcorp Genetics (formerly Invitae), Labcorp); PubMed 25959030 (cited by Labcorp Genetics (formerly Invitae), Labcorp); PubMed 21048060 (cited by Natera, Inc.); PubMed 26270765 (cited by Counsyl).